The following is an entry in ClinVar:

NM_000274.4(OAT):c.591dup (p.Gly198fs)

Gene: OAT (ornithine aminotransferase; minus strand). Cytogenetic location: 10q26.13.
Variant type: Duplication.
Coding change: c.591dup on transcript NM_000274.4 (MANE Select); coding-DNA position 591, one base duplicated (T; older notation c.591dupT).
Protein change: p.Gly198fs; shifts the reading frame from glycine 198.
Molecular consequence: frameshift variant. On other transcripts: 5 prime UTR variant (1).
Genome position (GRCh38, 1-based): chr10:124,405,493, A duplicated on the plus strand (T on the coding strand, the reverse complement: OAT is on the minus strand); the first of 4 consecutive A bases (chr10:124,405,493-124,405,496); duplicating any one gives the same sequence. VCF-style (leftmost placement, unchanged base first): chr10-124405492-C-CA. GRCh37 (hg19) VCF-style: chr10-126094061-C-CA.
Other names: c.177dup, p.Gly60fs (NM_001171814.2); c.591dup, p.Gly198fs (NM_001322965.2, NM_001322966.2, NM_001322967.2 and 3 more transcripts); c.270dup, p.Gly91fs (NM_001322971.2); c.-10dup (NM_001322974.2); short protein forms G198fs, G91fs, G60fs.
Identifiers: ClinVar variation 2849927 (VCV002849927.3), dbSNP rs2494476718, ClinGen allele CA2739276047.

ClinVar aggregate classification (germline): Pathogenic (1 of 4 stars; one submission).

Conditions:
Ornithine aminotransferase deficiency (GACR). Also called: OKT DEFICIENCY; HYPERORNITHINEMIA WITH GYRATE ATROPHY OF CHOROID AND RETINA; OAT DEFICIENCY; Ornithine ketoacid aminotransferase deficiency; Gyrate atrophy; Gyrate atrophy of choroid and retina. Identifiers: Orphanet 414, MedGen C0018425, MONDO:0009796, OMIM 258870.

Submission:

Labcorp Genetics (formerly Invitae), Labcorp
Classification: Pathogenic for Ornithine aminotransferase deficiency. Last evaluated: 2023-04-03. Review status: criteria provided, single submitter. Criteria: Invitae Variant Classification Sherloc (09022015). Collection method: clinical testing. Allele origin: germline.
Comment: This sequence change creates a premature translational stop signal (p.Gly198Trpfs*13) in the OAT gene. It is expected to result in an absent or disrupted protein product. Loss-of-function variants in OAT are known to be pathogenic (PMID: 1737786, 23076989). This variant is not present in population databases (gnomAD no frequency). This variant has not been reported in the literature in individuals affected with OAT-related conditions. For these reasons, this variant has been classified as Pathogenic.

Literature cited by the submitters: PubMed 1737786; PubMed 23076989.